The following is an entry in ClinVar:

NM_005188.4(CBL):c.1263T>G (p.Cys421Trp)

Gene: CBL (Cbl proto-oncogene; plus strand). Cytogenetic location: 11q23.3.
Variant type: single nucleotide variant.
Coding change: c.1263T>G on transcript NM_005188.4 (MANE Select); coding-DNA position 1263, T replaced by G.
Protein change: p.Cys421Trp; replaces cysteine 421 with tryptophan.
Molecular consequence: missense variant.
Genome position (GRCh38, 1-based): chr11:119,278,545, T>G. VCF-style: chr11-119278545-T-G. GRCh37 (hg19) VCF-style: chr11-119149255-T-G.
Other names: c.1263T>G (NM_005188.2); short protein forms C421W.
Identifiers: ClinVar variation 664109 (VCV000664109.9), dbSNP rs1592401139, ClinGen allele CA382913872.

ClinVar aggregate classification (germline): Uncertain significance. Review status: criteria provided, multiple submitters, no conflicts (2 of 4 stars). 2 submissions from 2 submitters: Uncertain significance (2). Last evaluated 2025-05-27.

Conditions:
RASopathy. Also called: rasopathies; Noonan spectrum disorder. Identifiers: Orphanet 536391, MedGen C5555857, MONDO:0021060.
Cardiovascular phenotype. Identifiers: MedGen CN230736.

Submissions (2):

Ambry Genetics
Classification: Uncertain significance for Cardiovascular phenotype. Last evaluated: 2025-05-27. Review status: criteria provided, single submitter. Criteria: Ambry Variant Classification Scheme 2023. Collection method: clinical testing. Allele origin: germline.
Comment: The p.C421W variant (also known as c.1263T>G), located in coding exon 9 of the CBL gene, results from a T to G substitution at nucleotide position 1263. The cysteine at codon 421 is replaced by tryptophan, an amino acid with highly dissimilar properties. This amino acid position is conserved. In addition, this alteration is predicted to be deleterious by in silico analysis. Based on the available evidence, the clinical significance of this variant remains unclear.

Labcorp Genetics (formerly Invitae), Labcorp
Classification: Uncertain significance for RASopathy. Last evaluated: 2022-10-14. Review status: criteria provided, single submitter. Criteria: Invitae Variant Classification Sherloc (09022015). Collection method: clinical testing. Allele origin: germline.
Comment: This variant is not present in population databases (gnomAD no frequency). This sequence change replaces cysteine, which is neutral and slightly polar, with tryptophan, which is neutral and slightly polar, at codon 421 of the CBL protein (p.Cys421Trp). ClinVar contains an entry for this variant (Variation ID: 664109). This variant has not been reported in the literature in individuals affected with CBL-related conditions. In summary, the available evidence is currently insufficient to determine the role of this variant in disease. Therefore, it has been classified as a Variant of Uncertain Significance. Advanced modeling of protein sequence and biophysical properties (such as structural, functional, and spatial information, amino acid conservation, physicochemical variation, residue mobility, and thermodynamic stability) has been performed at Invitae for this missense variant, however the output from this modeling did not meet the statistical confidence thresholds required to predict the impact of this variant on CBL protein function.